The following is an entry in ClinVar:

NM_002299.4(LCT):c.1585A>G (p.Thr529Ala)

Genes: LCT (lactase; minus strand), LOC126806353 (BRD4-independent group 4 enhancer GRCh37_chr2:136574960-136576159; plus strand). Cytogenetic location: 2q21.3.
Variant type: single nucleotide variant.
Coding change: c.1585A>G on transcript NM_002299.4 (MANE Select); coding-DNA position 1585, A replaced by G.
Protein change: p.Thr529Ala; replaces threonine 529 with alanine.
Molecular consequence: missense variant.
Genome position (GRCh38, 1-based): chr2:135,817,463, T>C on the plus strand (A>G on the coding strand, the complement: LCT is on the minus strand). VCF-style: chr2-135817463-T-C. GRCh37 (hg19) VCF-style: chr2-136575033-T-C.
Other names: short protein forms T529A.
Identifiers: ClinVar variation 1961355 (VCV001961355.6), dbSNP rs200097290, ClinGen allele CA1888372.
Genomic context (GRCh38, chr2:135,817,463, plus strand): 5'-CGTAGCTCATCACCCACGGCTCATGGAAGGTCACCCACAGCTTCACACGGTCCCCAAATG[T>C]GGAGAAGCAGAAGGCCGCATAGTCCAGGAAGGCATCCACCACGCTCTCATTCTGCCATCC-3'
Protein context (NP_002290.2, residues 519-539): FLDYAAFCFS[Thr529Ala]FGDRVKLWVT

ClinVar aggregate classification (germline): Uncertain significance. Review status: criteria provided, multiple submitters, no conflicts (2 of 4 stars). 2 submissions from 2 submitters: Uncertain significance (2). Last evaluated 2024-12-10.

Conditions:
Inborn genetic diseases. Identifiers: MedGen C0950123, MeSH D030342.

Allele frequency attached by ClinVar (database versions not stated): gnomAD exomes below 0.00001; ExAC 0.00001; TOPMed 0.00001; gnomAD 0.00002; 1000 Genomes Project 30x 0.00016; 1000 Genomes Project 0.00020.
gnomAD v4.1: 10 of 1,614,048 alleles (0.00062%); highest among the groups gnomAD compares: African/African-American, 0.0013%; no homozygotes.

Submissions (2):

Ambry Genetics
Classification: Uncertain significance for Inborn genetic diseases. Last evaluated: 2024-12-10. Review status: criteria provided, single submitter. Criteria: Ambry Variant Classification Scheme 2023. Collection method: clinical testing. Allele origin: germline.

Labcorp Genetics (formerly Invitae), Labcorp
Classification: Uncertain significance. Last evaluated: 2022-08-01. Review status: criteria provided, single submitter. Criteria: Invitae Variant Classification Sherloc (09022015). Collection method: clinical testing. Allele origin: germline.
Comment: In summary, the available evidence is currently insufficient to determine the role of this variant in disease. Therefore, it has been classified as a Variant of Uncertain Significance. Algorithms developed to predict the effect of missense changes on protein structure and function output the following: SIFT: "Not Available"; PolyPhen-2: "Benign"; Align-GVGD: "Not Available". The alanine amino acid residue is found in multiple mammalian species, which suggests that this missense change does not adversely affect protein function. This variant has not been reported in the literature in individuals affected with LCT-related conditions. This variant is present in population databases (rs200097290, gnomAD 0.002%). This sequence change replaces threonine, which is neutral and polar, with alanine, which is neutral and non-polar, at codon 529 of the LCT protein (p.Thr529Ala).